The following is an entry in ClinVar:

NM_000051.4(ATM):c.5067A>C (p.Gln1689His)

Gene: ATM (ATM serine/threonine kinase; plus strand). Cytogenetic location: 11q22.3.
Variant type: single nucleotide variant.
Coding change: c.5067A>C on transcript NM_000051.4 (MANE Select); coding-DNA position 5067, A replaced by C.
Protein change: p.Gln1689His; replaces glutamine 1689 with histidine.
Molecular consequence: missense variant.
Genome position (GRCh38, 1-based): chr11:108,299,775, A>C. VCF-style: chr11-108299775-A-C. GRCh37 (hg19) VCF-style: chr11-108170502-A-C.
Other names: c.5067A>C, p.Gln1689His (NM_001351834.2); short protein forms Q1689H.
Identifiers: ClinVar variation 3648755 (VCV003648755.2).

ClinVar aggregate classification (germline): Uncertain significance (1 of 4 stars; one submission).

Conditions:
Ataxia-telangiectasia syndrome (AT). Also called: ATAXIA-TELANGIECTASIA, COMPLEMENTATION GROUP A; ATAXIA-TELANGIECTASIA, FRESNO VARIANT; LOUIS-BAR SYNDROME; Ataxia-telangiectasia, complementation group D; Ataxia-telangiectasia, complementation group E; Cerebello-oculocutaneous telangiectasia. Identifiers: Orphanet 100, MedGen C0004135, MONDO:0008840, OMIM 208900.

Submission:

Labcorp Genetics (formerly Invitae), Labcorp
Classification: Uncertain significance for Ataxia-telangiectasia syndrome. Last evaluated: 2024-04-04. Review status: criteria provided, single submitter. Criteria: Invitae Variant Classification Sherloc (09022015). Collection method: clinical testing. Allele origin: germline.
Comment: This sequence change replaces glutamine, which is neutral and polar, with histidine, which is basic and polar, at codon 1689 of the ATM protein (p.Gln1689His). This variant is not present in population databases (gnomAD no frequency). This variant has not been reported in the literature in individuals affected with ATM-related conditions. An algorithm developed to predict the effect of missense changes on protein structure and function (PolyPhen-2) suggests that this variant is likely to be tolerated. In summary, the available evidence is currently insufficient to determine the role of this variant in disease. Therefore, it has been classified as a Variant of Uncertain Significance.